The following is an entry in ClinVar:

ClinVar aggregate classification (germline): Uncertain significance (0 of 4 stars; one submission).

Conditions:
PDE11A-related disorder. Also called: PDE11A-related condition.

Submission:

PreventionGenetics, part of Exact Sciences
Classification: Uncertain significance for PDE11A-related condition. Last evaluated: 2024-05-10. Review status: no assertion criteria provided. Collection method: clinical testing. Allele origin: germline.
Comment: The PDE11A c.517delA variant is predicted to result in a frameshift and premature protein termination (p.Ser173Valfs*8). To our knowledge, this variant has not been reported in the literature. This variant is reported in 0.0062% of alleles in individuals of African descent in gnomAD. Although we suspect that this variant may be pathogenic, at this time, the clinical significance of this variant is uncertain due to the absence of conclusive functional and genetic evidence.

NM_016953.4(PDE11A):c.517del (p.Ser173fs)

Gene: PDE11A (phosphodiesterase 11A; minus strand). Cytogenetic location: 2q31.2.
Variant type: Deletion.
Coding change: c.517del on transcript NM_016953.4 (MANE Select); coding-DNA position 517, one base deleted (A; older notation c.517delA).
Protein change: p.Ser173fs; shifts the reading frame from serine 173.
Molecular consequence: frameshift variant. On other transcripts: intron variant (1).
Genome position (GRCh38, 1-based): chr2:178,071,921, T deleted on the plus strand (A on the coding strand, the reverse complement: PDE11A is on the minus strand). VCF-style (leftmost placement, unchanged base first): chr2-178071920-CT-C. GRCh37 (hg19) VCF-style: chr2-178936647-CT-C.
Other names: c.162+32381del (NM_001077197.2); short protein forms S173fs.
Identifiers: ClinVar variation 3356970 (VCV003356970.1).